The following is an entry in ClinVar:

ClinVar aggregate classification (germline): Uncertain significance (1 of 4 stars; one submission).

Submission:

GeneDx
Classification: Uncertain significance. Last evaluated: 2024-10-14. Review status: criteria provided, single submitter. Criteria: GeneDx Variant Classification Process June 2021. Collection method: clinical testing. Allele origin: germline. Affected: yes.
Comment: Not observed at significant frequency in large population cohorts (gnomAD); In-frame deletion of 4 amino acid(s) in a non-repeat region; In silico analysis indicates that this variant does not alter protein structure/function; Has not been previously published as pathogenic or benign to our knowledge

NM_014232.3(VAMP2):c.33_44del (p.Ala12_Gly15del)

Genes: VAMP2 (vesicle associated membrane protein 2; minus strand), LOC130060218 (ATAC-STARR-seq lymphoblastoid silent region 8166; plus strand). Cytogenetic location: 17p13.1.
Variant type: Deletion.
Coding change: c.33_44del on transcript NM_014232.3 (MANE Select); coding-DNA positions 33 to 44, 12 bases deleted (TGCCCCGGCTGG).
Protein change: p.Ala12_Gly15del.
Genome position (GRCh38, 1-based): chr17:8,162,328-8,162,339, CCAGCCGGGGCA deleted on the plus strand (TGCCCCGGCTGG on the coding strand, the reverse complement: VAMP2 is on the minus strand). VCF-style (leftmost placement, unchanged base first): chr17-8162327-CCCAGCCGGGGCA-C. GRCh37 (hg19) VCF-style: chr17-8065645-CCCAGCCGGGGCA-C.
Other names: c.39_50del, p.Ala14_Gly17del (NM_001330125.1).
Identifiers: ClinVar variation 3777439 (VCV003777439.1).